The following is an entry in ClinVar:

ClinVar aggregate classification (germline): Uncertain significance (1 of 4 stars; one submission).

Submission:

Laboratory for Molecular Medicine, Mass General Brigham Personalized Medicine
Classification: Uncertain significance. Last evaluated: 2017-06-24. Review status: criteria provided, single submitter. Criteria: LMM Criteria. Collection method: clinical testing. Allele origin: germline. Observed: 28 variant alleles.
Comment: The exon 16 deletion in STRC has been previously reported by our laboratory in o ver 20 individuals with hearing loss; however, it has never been observed in the biallelic state with a second STRC variant. In contrast, over 50% of individual s with a whole gene deletion of STRC have a second pathogenic STRC variant on th e remaining allele (LMM unpublished data). Furthermore, the STRC gene has a high ly homologous pseudogene, and the testing methodology may not be able differenti ate between variants in STRC and pseudogene variants in the exon 16 region. Anal ysis of the exon 16 region via NGS sequence analysis of STRC long-range PCR prod ucts did not reveal breakpoints of the putative deletion. However, a limitation of these testing methodologies is an inability to detect the presence and deter mine the configuration of structural rearrangements in this region. In summary, due to the limitations of the testing methodology and the absence of biallelic o ccurrences of this variant (homozygous or compound heterozygous with a second pa thogenic variant) despite its high frequency in individuals tested by our labora tory, the presence of a deletion of exon 16 in STRC and its potential impact on the protein is uncertain.

Literature cited by the submitters: PubMed 22147502.

NC_000015.10:g.(?_43609245)_(43609394_?)del

Gene: STRC (stereocilin; minus strand). Cytogenetic location: 15q15.3.
Variant type: Deletion.
Identifiers: ClinVar variation 228399 (VCV000228399.5).